The following is an entry in ClinVar:

ClinVar aggregate classification (germline): Likely pathogenic (1 of 4 stars; one submission).

Conditions:
Familial thoracic aortic aneurysm and aortic dissection (TAAD). Also called: Thoracic aortic aneurysms and dissections. Identifiers: Orphanet 91387, MedGen C4707243, MONDO:0019625.

Submission:

Centre of Medical Genetics, University of Antwerp
Classification: Likely pathogenic for Familial thoracic aortic aneurysm and aortic dissection. Last evaluated: 2024-09-06. Review status: criteria provided, single submitter. Criteria: ACMG Guidelines, 2015. Collection method: clinical testing. Allele origin: germline. Affected: yes.
Comment: LP(PM1-2, 5; PP3)

NM_000138.5(FBN1):c.7709A>G (p.Glu2570Gly)

Gene: FBN1 (fibrillin 1; minus strand). Cytogenetic location: 15q21.1.
Variant type: single nucleotide variant.
Coding change: c.7709A>G on transcript NM_000138.5 (MANE Select); coding-DNA position 7709, A replaced by G.
Protein change: p.Glu2570Gly; replaces glutamic acid 2570 with glycine.
Molecular consequence: missense variant.
Genome position (GRCh38, 1-based): chr15:48,420,797, T>C on the plus strand (A>G on the coding strand, the complement: FBN1 is on the minus strand). VCF-style: chr15-48420797-T-C. GRCh37 (hg19) VCF-style: chr15-48712994-T-C.
Other names: c.7709A>G, p.Glu2570Gly (NM_001406716.1); short protein forms E2570G.
Identifiers: ClinVar variation 4820009 (VCV004820009.1).